The following is an entry in ClinVar:

ClinVar aggregate classification (germline): Pathogenic (1 of 4 stars; one submission).

Conditions:
Atypical hemolytic-uremic syndrome. Identifiers: Orphanet 2134, MedGen C2931788, MONDO:0016244.

Submission:

Genomenon, Inc
Classification: Pathogenic for Atypical hemolytic-uremic syndrome. Last evaluated: 2026-09-17. Review status: criteria provided, single submitter. Criteria: Genomenon Sequence Variant Interpretation Standards - Updated. Collection method: curation. Allele origin: germline. Affected: yes.
Comment: CFB p.Lys323Gln (c.967A>C) is a missense variant that changes the amino acid at codon 323 from Lysine to Glutamine. This variant has been observed in at least one proband affected with atypical hemolytic-uremic syndrome (PMID:24652797;20513133;23624872). At least one functional study has demonstrated a substantial alteration in protein function relative to the wild-type (PMID:24652797). This variant is located in a mutational hotspot and/or important functional domain. It is absent or not present at a significant frequency in gnomAD. In conclusion, we classify CFB p.Lys323Gln (c.967A>C) as a pathogenic variant.

Literature cited by the submitters: PubMed 24652797; PubMed 20513133; PubMed 23624872.

NM_001710.6(CFB):c.967A>C (p.Lys323Gln)

Gene: CFB (complement factor B; plus strand). Cytogenetic location: 6p21.33.
Variant type: single nucleotide variant.
Coding change: c.967A>C on transcript NM_001710.6 (MANE Select); coding-DNA position 967, A replaced by C.
Protein change: p.Lys323Gln; replaces lysine 323 with glutamine.
Molecular consequence: missense variant.
Genome position (GRCh38, 1-based): chr6:31,948,443, A>C. VCF-style: chr6-31948443-A-C. GRCh37 (hg19) VCF-style: chr6-31916220-A-C.
Other names: short protein forms K323Q.
Identifiers: ClinVar variation 4280398 (VCV004280398.2).